The following is an entry in ClinVar:

ClinVar aggregate classification (germline): Uncertain significance. Review status: criteria provided, multiple submitters, no conflicts (2 of 4 stars). 3 submissions from 3 submitters: Uncertain significance (3). Last evaluated 2025-08-20.

Conditions:
Inborn genetic diseases. Identifiers: MedGen C0950123, MeSH D030342.

Allele frequency attached by ClinVar (database versions not stated): ExAC 0.00002; gnomAD exomes 0.00002 and 0.00003; gnomAD 0.00003 and 0.00004; TOPMed 0.00005.
gnomAD v4.1: 60 of 1,614,050 alleles (0.0037%); highest among the groups gnomAD compares: Admixed American, 0.01%; no homozygotes.

Submissions (3):

Ambry Genetics
Classification: Uncertain significance for Inborn genetic diseases. Last evaluated: 2025-08-20. Review status: criteria provided, single submitter. Criteria: Ambry Variant Classification Scheme 2023. Collection method: clinical testing. Allele origin: germline.

Blueprint Genetics
Classification: Uncertain significance. Last evaluated: 2022-06-21. Review status: criteria provided, single submitter. Criteria: ACMG Guidelines, 2015. Collection method: clinical testing. Allele origin: germline.

Labcorp Genetics (formerly Invitae), Labcorp
Classification: Uncertain significance. Last evaluated: 2022-02-07. Review status: criteria provided, single submitter. Criteria: Invitae Variant Classification Sherloc (09022015). Collection method: clinical testing. Allele origin: germline.
Comment: This sequence change replaces serine, which is neutral and polar, with cysteine, which is neutral and slightly polar, at codon 439 of the IMPG2 protein (p.Ser439Cys). This variant is present in population databases (rs752132053, gnomAD 0.01%). This variant has not been reported in the literature in individuals affected with IMPG2-related conditions. ClinVar contains an entry for this variant (Variation ID: 1008384). Algorithms developed to predict the effect of missense changes on protein structure and function are either unavailable or do not agree on the potential impact of this missense change (SIFT: "Deleterious"; PolyPhen-2: "Probably Damaging"; Align-GVGD: "Class C15"). In summary, the available evidence is currently insufficient to determine the role of this variant in disease. Therefore, it has been classified as a Variant of Uncertain Significance.

NM_016247.4(IMPG2):c.1316C>G (p.Ser439Cys)

Gene: IMPG2 (interphotoreceptor matrix proteoglycan 2; minus strand). Cytogenetic location: 3q12.3.
Variant type: single nucleotide variant.
Coding change: c.1316C>G on transcript NM_016247.4 (MANE Select); coding-DNA position 1316, C replaced by G.
Protein change: p.Ser439Cys; replaces serine 439 with cysteine.
Molecular consequence: missense variant.
Genome position (GRCh38, 1-based): chr3:101,246,029, G>C on the plus strand (C>G on the coding strand, the complement: IMPG2 is on the minus strand). VCF-style: chr3-101246029-G-C. GRCh37 (hg19) VCF-style: chr3-100964873-G-C.
Other names: c.1316C>G (NM_016247.3); short protein forms S439C.
Identifiers: ClinVar variation 1008384 (VCV001008384.6), dbSNP rs752132053, ClinGen allele CA2519194.
Genomic context (GRCh38, chr3:101,246,029, plus strand): 5'-ACTAAATCACCCAAAGGACTTTCTGACCAGAGTTCCCTGCCAGTGGCTGAGGGAGGACCA[G>C]AGCTGAAATCAAGTGGTGGAATACTGCTGGTGATGGATTCATCTGCTGAGGGCCATGCAG-3'
Protein context (NP_057331.2, residues 429-449): TSSIPPLDFS[Ser439Cys]GPPSATGREL